The following is an entry in ClinVar:

ClinVar aggregate classification (germline): Uncertain significance (1 of 4 stars; one submission).

Submission:

Mayo Clinic Laboratories, Mayo Clinic
Classification: Uncertain significance. Last evaluated: 2024-03-01. Review status: criteria provided, single submitter. Criteria: ACMG Guidelines, 2015. Collection method: clinical testing. Allele origin: germline. Observed: 1 variant allele.
Comment: PM2

NM_001267550.2(TTN):c.91874G>A (p.Gly30625Glu)

Genes: TTN (titin; minus strand), TTN-AS1 (TTN antisense RNA 1; plus strand). Cytogenetic location: 2q31.2.
Variant type: single nucleotide variant.
Coding change: c.91874G>A on transcript NM_001267550.2 (MANE Select); coding-DNA position 91874, G replaced by A.
Protein change: p.Gly30625Glu; replaces glycine 30625 with glutamic acid.
Molecular consequence: missense variant.
Genome position (GRCh38, 1-based): chr2:178,549,848, C>T on the plus strand (G>A on the coding strand, the complement: TTN is on the minus strand). VCF-style: chr2-178549848-C-T. GRCh37 (hg19) VCF-style: chr2-179414575-C-T.
Other names: p.Gly28984Glu; c.86951G>A, p.Gly28984Glu (NM_001256850.1); c.64679G>A, p.Gly21560Glu (NM_003319.4); c.84170G>A, p.Gly28057Glu (NM_133378.4); c.65054G>A, p.Gly21685Glu (NM_133432.3); c.65255G>A, p.Gly21752Glu (NM_133437.4); short protein forms G21560E, G21685E, G21752E, G28057E, G28984E, G30625E.
Identifiers: ClinVar variation 3380864 (VCV003380864.1).
Genomic context (GRCh38, chr2:178,549,848, plus strand): 5'-AGTGGGGCATCCCACCACAGAGTCATCTTCTCCCCAGTAATATTGGTGAATCTTATTGGC[C>T]CAACTACTTTTCCTGGTGTATCTATAAGAAAAAGTTTCTAGAGTTAGTTTCTTTTTCCTT-3'
Protein context (NP_001254479.2, residues 30615-30635): KVQDTPGKVV[Gly30625Glu]PIRFTNITGE